The following is an entry in ClinVar:

NM_032447.5(FBN3):c.2581C>T (p.Arg861Trp)

Gene: FBN3 (fibrillin 3; minus strand). Cytogenetic location: 19p13.2.
Variant type: single nucleotide variant.
Coding change: c.2581C>T on transcript NM_032447.5 (MANE Select); coding-DNA position 2581, C replaced by T.
Protein change: p.Arg861Trp; replaces arginine 861 with tryptophan.
Molecular consequence: missense variant.
Genome position (GRCh38, 1-based): chr19:8,126,321, G>A on the plus strand (C>T on the coding strand, the complement: FBN3 is on the minus strand). VCF-style: chr19-8126321-G-A. GRCh37 (hg19) VCF-style: chr19-8191205-G-A.
Other names: c.2581C>T (NM_032447.3); c.2581C>T, p.Arg861Trp (NM_001321431.2); short protein forms R861W.
Identifiers: ClinVar variation 1445884 (VCV001445884.9), dbSNP rs767817824, ClinGen allele CA9152811.

ClinVar aggregate classification (germline): Uncertain significance. Review status: criteria provided, multiple submitters, no conflicts (2 of 4 stars). 2 submissions from 2 submitters: Uncertain significance (2). Last evaluated 2025-09-07.

Allele frequency attached by ClinVar (database versions not stated): gnomAD exomes 0.00005; ExAC 0.00011; TOPMed 0.00014; gnomAD 0.00015 and 0.00016.

Submissions (2):

Labcorp Genetics (formerly Invitae), Labcorp
Classification: Uncertain significance. Last evaluated: 2025-09-07. Review status: criteria provided, single submitter. Criteria: Invitae Variant Classification Sherloc (09022015). Collection method: clinical testing. Allele origin: germline.
Comment: This sequence change replaces arginine, which is basic and polar, with tryptophan, which is neutral and slightly polar, at codon 861 of the FBN3 protein (p.Arg861Trp). The frequency data for this variant in the population databases is considered unreliable, as metrics indicate poor data quality at this position in the gnomAD database. This variant has not been reported in the literature in individuals affected with FBN3-related conditions. ClinVar contains an entry for this variant (Variation ID: 1445884). Invitae Evidence Modeling of protein sequence and biophysical properties (such as structural, functional, and spatial information, amino acid conservation, physicochemical variation, residue mobility, and thermodynamic stability) indicates that this missense variant is expected to disrupt FBN3 protein function with a positive predictive value of 80%. In summary, the available evidence is currently insufficient to determine the role of this variant in disease. Therefore, it has been classified as a Variant of Uncertain Significance.

Ambry Genetics
Classification: Uncertain significance. Last evaluated: 2022-12-14. Review status: criteria provided, single submitter. Criteria: Ambry Variant Classification Scheme 2023. Collection method: clinical testing. Allele origin: germline.